The following is an entry in ClinVar:

ClinVar aggregate classification (germline): Conflicting classifications of pathogenicity. Review status: criteria provided, conflicting classifications (1 of 4 stars). 3 submissions from 3 submitters: Uncertain significance (2); Likely benign (1). Last evaluated 2026-01-05.

Conditions:
Inborn genetic diseases. Identifiers: MedGen C0950123, MeSH D030342.
Spinocerebellar ataxia, autosomal recessive, with axonal neuropathy 2 (SCAN2). Also called: Ataxia-ocular apraxia-2; ATAXIA-OCULOMOTOR APRAXIA 2; Ataxia with Oculomotor Apraxia; Ataxia with Oculomotor Apraxia Type 2. Identifiers: Orphanet 64753, MedGen C1853761, MONDO:0018996, OMIM 606002.
Amyotrophic lateral sclerosis type 4 (ALS4). Also called: AMYOTROPHIC LATERAL SCLEROSIS 4, JUVENILE; NEURONOPATHY, DISTAL HEREDITARY MOTOR, WITH PYRAMIDAL FEATURES. Identifiers: Orphanet 357043, MedGen C1865409, MONDO:0011223, OMIM 602433.
SETX-related disorder. Also called: SETX-related disorders; SETX-related condition. Identifiers: MedGen CN239403.

Allele frequency attached by ClinVar (database versions not stated): gnomAD 0.00001; gnomAD exomes 0.00001; TOPMed 0.00001.
gnomAD v4.1: 51 of 1,613,932 alleles (0.0032%); highest among the groups gnomAD compares: Non-Finnish European, 0.0043%; no homozygotes.

Submissions (3):

Labcorp Genetics (formerly Invitae), Labcorp
Classification: Likely benign for Amyotrophic lateral sclerosis type 4; Spinocerebellar ataxia, autosomal recessive, with axonal neuropathy 2. Last evaluated: 2026-01-05. Review status: criteria provided, single submitter. Criteria: Invitae Variant Classification Sherloc (09022015). Collection method: clinical testing. Allele origin: germline.

PreventionGenetics, part of Exact Sciences
Classification: Uncertain significance for SETX-related condition. Last evaluated: 2025-12-15. Review status: criteria provided, single submitter. Criteria: ACMG Guidelines, 2015. Collection method: clinical testing. Allele origin: germline.
Comment: The SETX c.598A>G variant is predicted to result in the amino acid substitution p.Ile200Val. To our knowledge, this variant has not been reported in the literature. This variant is reported in 0.0018% of alleles in individuals of European (Non-Finnish) descent in gnomAD. At this time, the clinical significance of this variant is uncertain due to the absence of conclusive functional and genetic evidence.

Ambry Genetics
Classification: Uncertain significance for Inborn genetic diseases. Last evaluated: 2025-09-10. Review status: criteria provided, single submitter. Criteria: Ambry Variant Classification Scheme 2023. Collection method: clinical testing. Allele origin: germline.

NM_015046.7(SETX):c.598A>G (p.Ile200Val)

Gene: SETX (senataxin; minus strand). Cytogenetic location: 9q34.13.
Variant type: single nucleotide variant.
Coding change: c.598A>G on transcript NM_015046.7 (MANE Select); coding-DNA position 598, A replaced by G.
Protein change: p.Ile200Val; replaces isoleucine 200 with valine.
Molecular consequence: missense variant.
Genome position (GRCh38, 1-based): chr9:132,336,416, T>C on the plus strand (A>G on the coding strand, the complement: SETX is on the minus strand). VCF-style: chr9-132336416-T-C. GRCh37 (hg19) VCF-style: chr9-135211803-T-C.
Other names: c.598A>G, p.Ile200Val (NM_001351527.2, NM_001351528.2); short protein forms I200V.
Identifiers: ClinVar variation 952103 (VCV000952103.12), dbSNP rs1368588434, ClinGen allele CA375349614.